The following is an entry in ClinVar:

NM_000404.4(GLB1):c.625C>T (p.His209Tyr)

Gene: GLB1 (galactosidase beta 1; minus strand). Cytogenetic location: 3p22.3.
Variant type: single nucleotide variant.
Coding change: c.625C>T on transcript NM_000404.4 (MANE Select); coding-DNA position 625, C replaced by T.
Protein change: p.His209Tyr; replaces histidine 209 with tyrosine.
Molecular consequence: missense variant. On other transcripts: intron variant (1).
Genome position (GRCh38, 1-based): chr3:33,058,197, G>A on the plus strand (C>T on the coding strand, the complement: GLB1 is on the minus strand). VCF-style: chr3-33058197-G-A. GRCh37 (hg19) VCF-style: chr3-33099689-G-A.
Other names: c.535C>T, p.His179Tyr (NM_001079811.3); c.769C>T, p.His257Tyr (NM_001317040.2); c.625C>T, p.His209Tyr (NM_001393580.1); c.341-4648C>T (NM_001135602.3); short protein forms H257Y, H179Y, H209Y.
Identifiers: ClinVar variation 1443336 (VCV001443336.6), dbSNP rs1699296800, ClinGen allele CA352004441.

ClinVar aggregate classification (germline): Uncertain significance (1 of 4 stars; one submission).

Conditions:
GM1 gangliosidosis. Identifiers: Orphanet 354, MedGen C0085131, MONDO:0018149.
Mucopolysaccharidosis, MPS-IV-B (MPS4B). Also called: MORQUIO SYNDROME B; Mucopolysaccharidosis Type IVB (Morquio B Disease); Mucopolysaccharidosis type 4B; Mucopolysaccharidosis type IVB (Morquio); MPS IVB; Mucopolysaccharidosis type IV B. Identifiers: Orphanet 309310, Orphanet 582, MedGen C0086652, MONDO:0009660, OMIM 253010.

Submission:

Labcorp Genetics (formerly Invitae), Labcorp
Classification: Uncertain significance for Mucopolysaccharidosis, MPS-IV-B; GM1 gangliosidosis. Last evaluated: 2021-11-14. Review status: criteria provided, single submitter. Criteria: Invitae Variant Classification Sherloc (09022015). Collection method: clinical testing. Allele origin: germline.
Comment: In summary, the available evidence is currently insufficient to determine the role of this variant in disease. Therefore, it has been classified as a Variant of Uncertain Significance. Advanced modeling of protein sequence and biophysical properties (such as structural, functional, and spatial information, amino acid conservation, physicochemical variation, residue mobility, and thermodynamic stability) performed at Invitae indicates that this missense variant is not expected to disrupt GLB1 protein function. This variant has not been reported in the literature in individuals affected with GLB1-related conditions. This variant is not present in population databases (gnomAD no frequency). This sequence change replaces histidine, which is basic and polar, with tyrosine, which is neutral and polar, at codon 209 of the GLB1 protein (p.His209Tyr).